The following is an entry in ClinVar:

NM_001197104.2(KMT2A):c.11147-5_11147-3del

Genes: KMT2A (lysine methyltransferase 2A; plus strand), TTC36-AS1 (TTC36 and KMT2A antisense RNA 1; minus strand). Cytogenetic location: 11q23.3.
Variant type: Microsatellite.
Coding change: c.11147-5_11147-3del on transcript NM_001197104.2 (MANE Select); 5 bases into the intron before coding-DNA position 11147 through 3 bases into the intron before coding-DNA position 11147, 3 bases deleted (TCT; older notation c.11147-5_11147-3delTCT).
Molecular consequence: intron variant. On other transcripts: non-coding transcript variant (4).
Genome position (GRCh38, 1-based): chr11:118,519,613-118,519,615, TCT deleted; deleting any 3 consecutive bases within chr11:118,519,609-118,519,615 gives the same sequence; the c. name uses the placement nearest the transcript's 3' end. VCF-style (leftmost placement, unchanged base first): chr11-118519608-ATTC-A. GRCh37 (hg19) VCF-style: chr11-118390323-ATTC-A.
Other names: c.11138-5_11138-3del (NM_005933.4); c.11147-5_11147-3del (NM_001197104.1).
Identifiers: ClinVar variation 730490 (VCV000730490.40), dbSNP rs369393980, ClinGen allele CA6304921.

ClinVar aggregate classification (germline): Benign/Likely benign. Review status: criteria provided, multiple submitters, no conflicts (2 of 4 stars). 6 submissions from 6 submitters: Benign (1); Likely benign (4). 1 of the submissions does not count toward it. Last evaluated 2026-01-27.

Conditions:
KMT2A-related disorder. Also called: KMT2A-related condition.

Submissions (6):

Labcorp Genetics (formerly Invitae), Labcorp
Classification: Benign. Last evaluated: 2026-01-27. Review status: criteria provided, single submitter. Criteria: Invitae Variant Classification Sherloc (09022015). Collection method: clinical testing. Allele origin: germline.

CeGaT Center for Human Genetics Tuebingen
Classification: Likely benign. Last evaluated: 2025-10-01. Review status: criteria provided, single submitter. Criteria: CeGaT Center For Human Genetics Tuebingen Variant Classification Criteria Version 2. Collection method: clinical testing. Allele origin: germline. Affected: yes. Observed: 9 variant alleles.
Comment: KMT2A: BP4, BS1

Laboratory of Genetics, Children's Clinical University Hospital Latvia
Classification: Likely benign. Last evaluated: 2025-02-16. Review status: criteria provided, single submitter. Criteria: ACMG Guidelines, 2015. Collection method: clinical testing. Allele origin: germline. Affected: yes.

Blueprint Genetics
Classification: Likely benign. Last evaluated: 2024-11-20. Review status: criteria provided, single submitter. Criteria: ACMG Guidelines, 2015. Collection method: clinical testing. Allele origin: germline.

GeneDx
Classification: Likely benign. Last evaluated: 2022-07-25. Review status: criteria provided, single submitter. Criteria: GeneDx Variant Classification Process June 2021. Collection method: clinical testing. Allele origin: germline. Affected: yes.
Comment: See Variant Classification Assertion Criteria.

PreventionGenetics, part of Exact Sciences
Classification: Likely benign for KMT2A-related condition. Last evaluated: 2024-01-05. Review status: no assertion criteria provided. Collection method: clinical testing. Allele origin: germline. Not counted in ClinVar's aggregate classification.
Comment: This variant is classified as likely benign based on ACMG/AMP sequence variant interpretation guidelines (Richards et al. 2015 PMID: 25741868, with internal and published modifications).